The following is an entry in ClinVar:

NM_000169.3(GLA):c.493G>C (p.Asp165His)

Genes: GLA (galactosidase alpha; minus strand), RPL36A-HNRNPH2 (RPL36A-HNRNPH2 readthrough; plus strand). Cytogenetic location: Xq22.1.
Variant type: single nucleotide variant.
Coding change: c.493G>C on transcript NM_000169.3 (MANE Select); coding-DNA position 493, G replaced by C.
Protein change: p.Asp165His; replaces aspartic acid 165 with histidine.
Molecular consequence: missense variant. On other transcripts: non-coding transcript variant (3), intron variant (2).
Genome position (GRCh38, 1-based): chrX:101,401,686, C>G on the plus strand (G>C on the coding strand, the complement: GLA is on the minus strand). VCF-style: chrX-101401686-C-G. GRCh37 (hg19) VCF-style: chrX-100656674-C-G.
Other names: c.616G>C, p.Asp206His (NM_001406747.1, NM_001406749.1); c.493G>C, p.Asp165His (NM_001406748.1); c.300+6229C>G (NM_001199973.2); c.177+9864C>G (NM_001199974.2); short protein forms D165H, D206H.
Identifiers: ClinVar variation 4087391 (VCV004087391.2), dbSNP rs869312312.

ClinVar aggregate classification (germline): Pathogenic (1 of 4 stars; one submission).

Conditions:
Fabry disease. Also called: ALPHA-GALACTOSIDASE A DEFICIENCY; ANDERSON-FABRY DISEASE; CERAMIDE TRIHEXOSIDASE DEFICIENCY; GLA DEFICIENCY; HEREDITARY DYSTOPIC LIPIDOSIS; Angiokeratoma corporis diffusum. Identifiers: Orphanet 324, MedGen C0002986, MONDO:0010526, OMIM 301500, HP:0001071. Disease mechanism: Fabry disease is due to inactivating mutations in the X-linked GLA gene resulting in deficiency of the enzyme Alpha Galactosidase-A., loss of function.

Submission:

Genomenon, Inc
Classification: Pathogenic for Fabry disease. Last evaluated: 2026-09-08. Review status: criteria provided, single submitter. Criteria: Genomenon Sequence Variant Interpretation Standards - Updated. Collection method: curation. Allele origin: germline. Affected: yes.
Comment: GLA p.Asp165His (c.493G>C) is a missense variant that changes the amino acid at codon 165 from Aspartic acid to Histidine. This variant has been observed in at least one proband with clinical features consistent with Fabry disease (PMID:26880903;35629291;37761944;33036343;18849176;37940383;24398019;30477121). The variant was found to segregate with disease in at least one affected family (PMID:18849176). A de novo occurrence of this variant has been observed in at least one affected individual (PMID:24398019). At least one functional study has demonstrated a substantial alteration in protein function relative to the wild-type (PMID:32023956;27657681;23935525). This variant is located in a mutational hotspot and/or important functional domain. It is absent or not present at a significant frequency in gnomAD. In silico models predict that this variant is possibly or probably damaging. In conclusion, we classify GLA p.Asp165His (c.493G>C) as a pathogenic variant.

Literature cited by the submitters: PubMed 26880903; PubMed 35629291; PubMed 37761944; PubMed 33036343; PubMed 18849176; PubMed 37940383; PubMed 24398019; PubMed 30477121; PubMed 32023956; PubMed 27657681; PubMed 23935525.